The following is an entry in ClinVar:

NM_002578.5(PAK3):c.892C>A (p.Gln298Lys)

Gene: PAK3 (p21 (RAC1) activated kinase 3; plus strand). Cytogenetic location: Xq23.
Variant type: single nucleotide variant.
Coding change: c.892C>A on transcript NM_002578.5 (MANE Select); coding-DNA position 892, C replaced by A.
Protein change: p.Gln298Lys; replaces glutamine 298 with lysine.
Molecular consequence: missense variant. On other transcripts: non-coding transcript variant (2).
Genome position (GRCh38, 1-based): chrX:111,192,518, C>A. VCF-style: chrX-111192518-C-A. GRCh37 (hg19) VCF-style: chrX-110435746-C-A.
Other names: c.892C>A, p.Gln298Lys (NM_001128166.3, NM_001128167.3, NM_001324325.2 and 5 more transcripts); c.1000C>A, p.Gln334Lys (NM_001128168.3); c.955C>A, p.Gln319Lys (NM_001128172.2); c.937C>A, p.Gln313Lys (NM_001128173.3, NM_001324327.2, NM_001324328.2 and 2 more transcripts); short protein forms Q298K, Q313K, Q319K, Q334K.
Identifiers: ClinVar variation 3898961 (VCV003898961.1).

ClinVar aggregate classification (germline): Uncertain significance (1 of 4 stars; one submission).

Submission:

GeneDx
Classification: Uncertain significance. Last evaluated: 2024-11-06. Review status: criteria provided, single submitter. Criteria: GeneDx Variant Classification Process June 2021. Collection method: clinical testing. Allele origin: germline. Affected: yes.
Comment: Not observed at significant frequency in large population cohorts (gnomAD); In silico analysis supports that this missense variant has a deleterious effect on protein structure/function; Has not been previously published as pathogenic or benign to our knowledge